The following is an entry in ClinVar:

ClinVar aggregate classification (germline): Uncertain significance (1 of 4 stars; one submission).

Conditions:
Retinitis pigmentosa 12 (RP12). Also called: RP WITH OR WITHOUT PPRPE; RP WITH OR WITHOUT PRESERVED PARAARTERIOLE RETINAL PIGMENT EPITHELIUM; RETINITIS PIGMENTOSA WITH OR WITHOUT PARAARTERIOLAR PRESERVATION OF RETINAL PIGMENT EPITHELIUM. Identifiers: Orphanet 791, MedGen C1838647, MONDO:0010818, OMIM 600105.
Leber congenital amaurosis 8 (LCA8). Identifiers: Orphanet 65, MedGen C3151202, MONDO:0013453, OMIM 613835.

Allele frequency attached by ClinVar (database versions not stated): gnomAD exomes below 0.00001; ExAC 0.00002; gnomAD 0.00002; TOPMed 0.00002.
gnomAD v4.1: 8 of 1,613,886 alleles (0.0005%); highest among the groups gnomAD compares: African/African-American, 0.011%; no homozygotes.

Submission:

Labcorp Genetics (formerly Invitae), Labcorp
Classification: Uncertain significance for Leber congenital amaurosis 8; Retinitis pigmentosa 12. Last evaluated: 2024-04-15. Review status: criteria provided, single submitter. Criteria: Invitae Variant Classification Sherloc (09022015). Collection method: clinical testing. Allele origin: germline.
Comment: This sequence change replaces tryptophan, which is neutral and slightly polar, with arginine, which is basic and polar, at codon 927 of the CRB1 protein (p.Trp927Arg). This variant is present in population databases (rs762334857, gnomAD 0.01%). This variant has not been reported in the literature in individuals affected with CRB1-related conditions. ClinVar contains an entry for this variant (Variation ID: 2168148). Advanced modeling of protein sequence and biophysical properties (such as structural, functional, and spatial information, amino acid conservation, physicochemical variation, residue mobility, and thermodynamic stability) performed at Invitae indicates that this missense variant is expected to disrupt CRB1 protein function with a positive predictive value of 80%. In summary, the available evidence is currently insufficient to determine the role of this variant in disease. Therefore, it has been classified as a Variant of Uncertain Significance.

NM_201253.3(CRB1):c.2779T>C (p.Trp927Arg)

Gene: CRB1 (crumbs cell polarity complex component 1; plus strand). Cytogenetic location: 1q31.3.
Variant type: single nucleotide variant.
Coding change: c.2779T>C on transcript NM_201253.3 (MANE Select); coding-DNA position 2779, T replaced by C.
Protein change: p.Trp927Arg; replaces tryptophan 927 with arginine.
Molecular consequence: missense variant. On other transcripts: non-coding transcript variant (2), intron variant (1).
Genome position (GRCh38, 1-based): chr1:197,429,551, T>C. VCF-style: chr1-197429551-T-C. GRCh37 (hg19) VCF-style: chr1-197398681-T-C.
Other names: c.2443T>C, p.Trp815Arg (NM_001193640.2); c.2707T>C, p.Trp903Arg (NM_001257965.2); c.2129-6049T>C (NM_001257966.2); short protein forms W927R, W815R, W903R.
Identifiers: ClinVar variation 2168148 (VCV002168148.3), dbSNP rs762334857, ClinGen allele CA1312203.